The following is an entry in ClinVar:

NM_001256789.3(CACNA1F):c.2959C>A (p.Arg987=)

Gene: CACNA1F (calcium voltage-gated channel subunit alpha1 F; minus strand). Cytogenetic location: Xp11.23.
Variant type: single nucleotide variant.
Coding change: c.2959C>A on transcript NM_001256789.3 (MANE Select); coding-DNA position 2959, C replaced by A.
Protein change: p.Arg987=; no amino-acid change (arginine 987 retained).
Molecular consequence: synonymous variant.
Genome position (GRCh38, 1-based): chrX:49,217,975, G>T on the plus strand (C>A on the coding strand, the complement: CACNA1F is on the minus strand). VCF-style: chrX-49217975-G-T. GRCh37 (hg19) VCF-style: chrX-49074434-G-T.
Other names: c.2797C>A, p.Arg933= (NM_001256790.3); c.2992C>A, p.Arg998= (NM_005183.4).
Identifiers: ClinVar variation 960956 (VCV000960956.9), dbSNP rs782512273, ClinGen allele CA10410567.

ClinVar aggregate classification (germline): Uncertain significance (1 of 4 stars; one submission).

Allele frequency attached by ClinVar (database versions not stated): gnomAD exomes 0.00001; TOPMed 0.00001; ExAC 0.00002; gnomAD 0.00004.
gnomAD v4.1: 10 of 1,207,721 alleles (0.00083%); highest among the groups gnomAD compares: African/African-American, 0.0018%; no homozygotes.

Submission:

Labcorp Genetics (formerly Invitae), Labcorp
Classification: Uncertain significance. Last evaluated: 2024-10-23. Review status: criteria provided, single submitter. Criteria: Invitae Variant Classification Sherloc (09022015). Collection method: clinical testing. Allele origin: germline.
Comment: This sequence change affects codon 998 of the CACNA1F mRNA. It is a 'silent' change, meaning that it does not change the encoded amino acid sequence of the CACNA1F protein. The frequency data for this variant in the population databases is considered unreliable, as metrics indicate poor data quality at this position in the gnomAD database. This variant has not been reported in the literature in individuals affected with CACNA1F-related conditions. ClinVar contains an entry for this variant (Variation ID: 960956). Algorithms developed to predict the effect of sequence changes on RNA splicing suggest that this variant may disrupt the consensus splice site. In summary, the available evidence is currently insufficient to determine the role of this variant in disease. Therefore, it has been classified as a Variant of Uncertain Significance.